The following is an entry in ClinVar:

NM_007078.3(LDB3):c.93G>A (p.Arg31=)

Gene: LDB3 (LIM domain binding 3; plus strand). Cytogenetic location: 10q23.2.
Variant type: single nucleotide variant.
Coding change: c.93G>A on transcript NM_007078.3 (MANE Select); coding-DNA position 93, G replaced by A.
Protein change: p.Arg31=; no amino-acid change (arginine 31 retained).
Molecular consequence: synonymous variant.
Genome position (GRCh38, 1-based): chr10:86,668,784, G>A. VCF-style: chr10-86668784-G-A. GRCh37 (hg19) VCF-style: chr10-88428541-G-A.
Other names: c.93G>A, p.Arg31= (NM_001080114.2, NM_001080115.2, NM_001080116.1 and 8 more transcripts).
Identifiers: ClinVar variation 1470600 (VCV001470600.6), dbSNP rs1564626245, ClinGen allele CA470310847.

ClinVar aggregate classification (germline): Uncertain significance (1 of 4 stars; one submission).

Conditions:
Myofibrillar myopathy 4. Also called: Zaspopathy (type). Identifiers: Orphanet 98912, MedGen C4721886, MONDO:0012277, OMIM 609452.

Allele frequency attached by ClinVar (database versions not stated): gnomAD exomes below 0.00001 and 0.00001.
gnomAD v4.1: 10 of 1,612,150 alleles (0.00062%); highest among the groups gnomAD compares: African/African-American, 0.0013%; no homozygotes.

Submission:

Labcorp Genetics (formerly Invitae), Labcorp
Classification: Uncertain significance for Myofibrillar myopathy 4. Last evaluated: 2024-04-25. Review status: criteria provided, single submitter. Criteria: Invitae Variant Classification Sherloc (09022015). Collection method: clinical testing. Allele origin: germline.
Comment: This sequence change affects codon 31 of the LDB3 mRNA. It is a 'silent' change, meaning that it does not change the encoded amino acid sequence of the LDB3 protein. It affects a nucleotide within the consensus splice site. This variant is not present in population databases (gnomAD no frequency). This variant has not been reported in the literature in individuals affected with LDB3-related conditions. ClinVar contains an entry for this variant (Variation ID: 1470600). Algorithms developed to predict the effect of sequence changes on RNA splicing suggest that this variant is not likely to affect RNA splicing. In summary, the available evidence is currently insufficient to determine the role of this variant in disease. Therefore, it has been classified as a Variant of Uncertain Significance.